The following is an entry in ClinVar:

NM_020778.5(ALPK3):c.2688C>T (p.Thr896=)

Gene: ALPK3 (alpha kinase 3; plus strand). Cytogenetic location: 15q25.3.
Variant type: single nucleotide variant.
Coding change: c.2688C>T on transcript NM_020778.5 (MANE Select); coding-DNA position 2688, C replaced by T.
Protein change: p.Thr896=; no amino-acid change (threonine 896 retained).
Molecular consequence: synonymous variant.
Genome position (GRCh38, 1-based): chr15:84,857,426, C>T. VCF-style: chr15-84857426-C-T. GRCh37 (hg19) VCF-style: chr15-85400657-C-T.
Other names: c.3294C>T (NM_020778.4).
Identifiers: ClinVar variation 1609579 (VCV001609579.13), dbSNP rs754817532, ClinGen allele CA7709476.
Genomic context (GRCh38, chr15:84,857,426, plus strand): 5'-AGCTAGCCCAAAGGCGGGGCCGTGTAGCACCCCGACTTCTCAGCACGGGAGCACAGCCAC[C>T]TTCCTGCCCTCTGAGGATCAGGTCCTGATGAGTTCTGCCCCAACACTGCACCTGGGGCTG-3'
Protein context (NP_065829.4, residues 886-906): TPTSQHGSTA[Thr896=]FLPSEDQVLM

ClinVar aggregate classification (germline): Likely benign. Review status: criteria provided, multiple submitters, no conflicts (2 of 4 stars). 4 submissions from 4 submitters: Likely benign (4). Last evaluated 2026-02-26.

Conditions:
ALPK3-related disorder. Also called: ALPK3-related condition.
Cardiovascular phenotype. Identifiers: MedGen CN230736.

Allele frequency attached by ClinVar (database versions not stated): gnomAD exomes 0.00002; ExAC 0.00003; gnomAD 0.00006 and 0.00007; TOPMed 0.00006.

Submissions (4):

PreventionGenetics, part of Exact Sciences
Classification: Likely benign for ALPK3-related condition. Last evaluated: 2026-02-26. Review status: criteria provided, single submitter. Criteria: ACMG Guidelines, 2015. Collection method: clinical testing. Allele origin: germline.
Comment: This variant is classified as likely benign based on ACMG/AMP sequence variant interpretation guidelines (Richards et al. 2015 PMID: 25741868, with internal and published modifications).

Labcorp Genetics (formerly Invitae), Labcorp
Classification: Likely benign. Last evaluated: 2026-01-12. Review status: criteria provided, single submitter. Criteria: Invitae Variant Classification Sherloc (09022015). Collection method: clinical testing. Allele origin: germline.

Women's Health and Genetics/Laboratory Corporation of America, LabCorp
Classification: Likely benign. Last evaluated: 2025-04-14. Review status: criteria provided, single submitter. Criteria: LabCorp Variant Classification Summary - May 2015. Collection method: clinical testing. Allele origin: germline.

Ambry Genetics
Classification: Likely benign for Cardiovascular phenotype. Last evaluated: 2022-11-21. Review status: criteria provided, single submitter. Criteria: Ambry Variant Classification Scheme 2023. Collection method: clinical testing. Allele origin: germline.